The following is an entry in ClinVar:

NM_000090.4(COL3A1):c.3324T>G (p.His1108Gln)

Gene: COL3A1 (collagen type III alpha 1 chain; plus strand). Cytogenetic location: 2q32.2.
Variant type: single nucleotide variant.
Coding change: c.3324T>G on transcript NM_000090.4 (MANE Select); coding-DNA position 3324, T replaced by G.
Protein change: p.His1108Gln; replaces histidine 1108 with glutamine.
Molecular consequence: missense variant.
Genome position (GRCh38, 1-based): chr2:189,007,568, T>G. VCF-style: chr2-189007568-T-G. GRCh37 (hg19) VCF-style: chr2-189872294-T-G.
Other names: short protein forms H1108Q.
Identifiers: ClinVar variation 3634107 (VCV003634107.2).

ClinVar aggregate classification (germline): Uncertain significance (1 of 4 stars; one submission).

Conditions:
Ehlers-Danlos syndrome, type 4 (EDSVASC). Also called: Ehlers-Danlos syndrome vascular type; Ehlers Danlos syndrome, ecchymotic type; Ehlers Danlos syndrome, arterial type; Ehlers Danlos syndrome, Sack-Barabas type; Ehlers-Danlos Syndrome Type IV. Identifiers: Orphanet 286, MedGen C0268338, MONDO:0017314, OMIM 130050.

Submission:

Labcorp Genetics (formerly Invitae), Labcorp
Classification: Uncertain significance for Ehlers-Danlos syndrome, type 4. Last evaluated: 2025-01-13. Review status: criteria provided, single submitter. Criteria: Invitae Variant Classification Sherloc (09022015). Collection method: clinical testing. Allele origin: germline.
Comment: This sequence change replaces histidine, which is basic and polar, with glutamine, which is neutral and polar, at codon 1108 of the COL3A1 protein (p.His1108Gln). This variant is not present in population databases (gnomAD no frequency). This variant has not been reported in the literature in individuals affected with COL3A1-related conditions. Invitae Evidence Modeling of protein sequence and biophysical properties (such as structural, functional, and spatial information, amino acid conservation, physicochemical variation, residue mobility, and thermodynamic stability) indicates that this missense variant is not expected to disrupt COL3A1 protein function with a negative predictive value of 95%. In summary, the available evidence is currently insufficient to determine the role of this variant in disease. Therefore, it has been classified as a Variant of Uncertain Significance.